The following is an entry in ClinVar:

ClinVar aggregate classification (germline): Likely benign. Review status: reviewed by expert panel (3 of 4 stars). 2 submissions from 2 submitters: Likely benign (1). 1 of the submissions does not count toward it. Last evaluated 2023-11-13.

Conditions:
Hereditary thrombocytopenia and hematological cancer predisposition syndrome associated with RUNX1. Also called: PLATELET DISORDER, ASPIRIN-LIKE; Familial Platelet Disorder with Propensity to Acute Myelogenous Leukemia; Familial thrombocytopenia with propensity to acute myelogenous leukemia; RUNX1 Familial Platelet Disorder with Associated Myeloid Malignancies. Identifiers: Orphanet 71290, MedGen C1832388, MeSH C563324, MONDO:0100083, OMIM 601399.

Allele frequency attached by ClinVar (database versions not stated): gnomAD exomes 0.00001 and 0.00004; ExAC 0.00003; gnomAD 0.00011 and 0.00012; TOPMed 0.00021.
gnomAD v4.1: 45 of 1,614,036 alleles (0.0028%); highest among the groups gnomAD compares: African/African-American, 0.043%; no homozygotes.

Submissions (2):

ClinGen Myeloid Malignancy Variant Curation Expert Panel
Classification: Likely benign for Hereditary thrombocytopenia and hematological cancer predisposition syndrome associated with RUNX1. Last evaluated: 2023-11-13. Review status: reviewed by expert panel. Criteria: ClinGen MyeloMalig ACMG Specifications v2. Collection method: curation. Allele origin: germline. Inheritance: Autosomal dominant inheritance.
Comment: NM_001754.5(RUNX1):c.967+8A>T is an intronic variant. MAF of 0.00048 (0.048%, 12/24970 alleles) in the African subpopulation of the gnomAD V2 cohort is between 0.00015 (0.015%) and 0.0015 (0.15%) (BS1). REVEL score not applicable and SpliceAI ∆ scores <= 0.20 (BP4). Evolutionary conservation prediction algorithms predict the site as not being conserved (PhyloP score -0.997, <2) (BP7). In summary, this variant meets criteria to be classified as likely benign. ACMG/AMP criteria applied, as specified by the Myeloid Malignancy Variant Curation Expert Panel for RUNX1: BS1, BP4, BP7.

Labcorp Genetics (formerly Invitae), Labcorp
Classification: Likely benign for Hereditary thrombocytopenia and hematological cancer predisposition syndrome associated with RUNX1. Last evaluated: 2025-06-18. Review status: criteria provided, single submitter. Criteria: Invitae Variant Classification Sherloc (09022015). Collection method: clinical testing. Allele origin: germline. Not counted in ClinVar's aggregate classification.

NM_001754.5(RUNX1):c.967+8A>T

Gene: RUNX1 (RUNX family transcription factor 1; minus strand). Cytogenetic location: 21q22.12.
Variant type: single nucleotide variant.
Coding change: c.967+8A>T on transcript NM_001754.5 (MANE Select); 8 bases into the intron after coding-DNA position 967, A replaced by T.
Molecular consequence: intron variant.
Genome position (GRCh38, 1-based): chr21:34,799,293, T>A on the plus strand (A>T on the coding strand, the complement: RUNX1 is on the minus strand). VCF-style: chr21-34799293-T-A. GRCh37 (hg19) VCF-style: chr21-36171590-T-A.
Other names: c.886+8A>T (NM_001001890.3).
Identifiers: ClinVar variation 464014 (VCV000464014.12), dbSNP rs113054726, ClinGen allele CA10014257.